The following is an entry in ClinVar:

NM_024422.6(DSC2):c.155-222C>T

Gene: DSC2 (desmocollin 2; minus strand). Cytogenetic location: 18q12.1.
Variant type: single nucleotide variant.
Coding change: c.155-222C>T on transcript NM_024422.6 (MANE Select); 222 bases into the intron before coding-DNA position 155, C replaced by T.
Molecular consequence: intron variant.
Genome position (GRCh38, 1-based): chr18:31,092,522, G>A on the plus strand (C>T on the coding strand, the complement: DSC2 is on the minus strand). VCF-style: chr18-31092522-G-A. GRCh37 (hg19) VCF-style: chr18-28672485-G-A.
Other names: c.155-222C>T (NM_004949.5).
Identifiers: ClinVar variation 678526 (VCV000678526.1), dbSNP rs115000647, ClinGen allele CA297644701.

ClinVar aggregate classification (germline): Likely benign (1 of 4 stars; one submission).

Allele frequency attached by ClinVar (database versions not stated): TOPMed 0.01376; 1000 Genomes Project 30x 0.01421; 1000 Genomes Project 0.01458.
gnomAD v4.1: 1,833 of 152,238 alleles (1.2%); highest among the groups gnomAD compares: African/African-American, 4.2%; 35 homozygotes.

Submission:

GeneDx
Classification: Likely benign. Last evaluated: 2018-06-15. Review status: criteria provided, single submitter. Criteria: GeneDx Variant Classification (06012015). Collection method: clinical testing. Allele origin: germline. Affected: yes.
Comment: This variant is considered likely benign or benign based on one or more of the following criteria: it is a conservative change, it occurs at a poorly conserved position in the protein, it is predicted to be benign by multiple in silico algorithms, and/or has population frequency not consistent with disease.